The following is an entry in ClinVar:

ClinVar aggregate classification (germline): Uncertain significance (1 of 4 stars; one submission).

Submission:

Labcorp Genetics (formerly Invitae), Labcorp
Classification: Uncertain significance. Last evaluated: 2025-03-31. Review status: criteria provided, single submitter. Criteria: Invitae Variant Classification Sherloc (09022015). Collection method: clinical testing. Allele origin: germline.
Comment: This sequence change falls in intron 11 of the CREB3L1 gene. It does not directly change the encoded amino acid sequence of the CREB3L1 protein. It affects a nucleotide within the consensus splice site. This variant is present in population databases (rs754012136, gnomAD 10%). This variant has not been reported in the literature in individuals affected with CREB3L1-related conditions. Variants that disrupt the consensus splice site are a relatively common cause of aberrant splicing (PMID: 17576681, 9536098). Experimental studies and prediction algorithms are not available or were not evaluated, and the effect of this variant on mRNA splicing is currently unknown. In summary, the available evidence is currently insufficient to determine the role of this variant in disease. Therefore, it has been classified as a Variant of Uncertain Significance.

Literature cited by the submitters: PubMed 17576681; PubMed 9536098.

NM_052854.4(CREB3L1):c.1523+5_1523+6insTGTGTGGCCCCTTTG

Gene: CREB3L1 (cAMP responsive element binding protein 3 like 1; plus strand). Cytogenetic location: 11p11.2.
Variant type: Microsatellite.
Coding change: c.1523+5_1523+6insTGTGTGGCCCCTTTG on transcript NM_052854.4 (MANE Select); bases 5 to 6 of the intron after coding-DNA position 1523, TGTGTGGCCCCTTTG inserted.
Molecular consequence: intron variant.
Genome position: GRCh38 VCF-style: chr11-46320532-G-GGTGTGTGGCCCCTTT. GRCh37 (hg19) VCF-style: chr11-46342083-G-GGTGTGTGGCCCCTTT.
Identifiers: ClinVar variation 1360177 (VCV001360177.4), dbSNP rs754012136.